The following is an entry in ClinVar:

ClinVar aggregate classification (germline): Uncertain significance (1 of 4 stars; one submission).

Conditions:
PMM2-congenital disorder of glycosylation. Also called: Congenital disorder of glycosylation, type Ia; CDG Ia; JAEKEN SYNDROME; PHOSPHOMANNOMUTASE 2 DEFICIENCY; CARBOHYDRATE-DEFICIENT GLYCOPROTEIN SYNDROME, TYPE Ia; PMM2-CDG. Identifiers: Orphanet 79318, MedGen C0349653, MONDO:0008907, OMIM 212065.

Submission:

Labcorp Genetics (formerly Invitae), Labcorp
Classification: Uncertain significance for PMM2-congenital disorder of glycosylation. Last evaluated: 2024-11-27. Review status: criteria provided, single submitter. Criteria: Invitae Variant Classification Sherloc (09022015). Collection method: clinical testing. Allele origin: germline.
Comment: This sequence change replaces isoleucine, which is neutral and non-polar, with lysine, which is basic and polar, at codon 174 of the PMM2 protein (p.Ile174Lys). This variant is not present in population databases (gnomAD no frequency). This variant has not been reported in the literature in individuals affected with PMM2-related conditions. An algorithm developed to predict the effect of missense changes on protein structure and function (PolyPhen-2) suggests that this variant is likely to be disruptive. In summary, the available evidence is currently insufficient to determine the role of this variant in disease. Therefore, it has been classified as a Variant of Uncertain Significance.

NM_000303.3(PMM2):c.521T>A (p.Ile174Lys)

Gene: PMM2 (phosphomannomutase 2; plus strand). Cytogenetic location: 16p13.2.
Variant type: single nucleotide variant.
Coding change: c.521T>A on transcript NM_000303.3 (MANE Select); coding-DNA position 521, T replaced by A.
Protein change: p.Ile174Lys; replaces isoleucine 174 with lysine.
Molecular consequence: missense variant.
Genome position (GRCh38, 1-based): chr16:8,811,711, T>A. VCF-style: chr16-8811711-T-A. GRCh37 (hg19) VCF-style: chr16-8905568-T-A.
Other names: short protein forms I174K.
Identifiers: ClinVar variation 3693044 (VCV003693044.2).